The following is an entry in ClinVar:

NM_001008216.2(GALE):c.351+1G>T

Gene: GALE (UDP-galactose-4-epimerase; minus strand). Cytogenetic location: 1p36.11.
Variant type: single nucleotide variant.
Coding change: c.351+1G>T on transcript NM_001008216.2 (MANE Select); the canonical splice donor site of the intron after coding-DNA position 351, G replaced by T.
Molecular consequence: splice donor variant.
Genome position (GRCh38, 1-based): chr1:23,798,116, C>A on the plus strand (G>T on the coding strand, the complement: GALE is on the minus strand). VCF-style: chr1-23798116-C-A. GRCh37 (hg19) VCF-style: chr1-24124606-C-A.
Other names: c.351+1G>T (NM_001127621.2, NM_000403.4).
Identifiers: ClinVar variation 1066286 (VCV001066286.3), dbSNP rs1388106856, ClinGen allele CA339013248.

ClinVar aggregate classification (germline): Likely pathogenic. Review status: criteria provided, multiple submitters, no conflicts (2 of 4 stars). 2 submissions from 2 submitters: Likely pathogenic (2). Last evaluated 2024-02-21.

Conditions:
Thrombocytopenia 13, syndromic. Also called: THROMBOCYTOPENIA, AUTOSOMAL RECESSIVE, 13. Identifiers: MedGen C5935599, MONDO:0958333, OMIM 620776.
UDPglucose-4-epimerase deficiency. Also called: Epimerase Deficiency Galactosemia; UDP-GALACTOSE-4-EPIMERASE DEFICIENCY; Galactose epimerase deficiency; UDPglucose 4-Epimerase Deficiency Disease; GALACTOSEMIA III; GALE DEFICIENCY. Identifiers: Orphanet 352, Orphanet 79238, MedGen C0751161, MONDO:0009257, OMIM 230350.

Allele frequency attached by ClinVar (database versions not stated): gnomAD exomes below 0.00001.

Submissions (2):

Fulgent Genetics
Classification: Likely pathogenic for UDPglucose-4-epimerase deficiency; Thrombocytopenia 13, syndromic. Last evaluated: 2024-02-21. Review status: criteria provided, single submitter. Criteria: ACMG Guidelines, 2015. Collection method: clinical testing. Allele origin: germline.

Labcorp Genetics (formerly Invitae), Labcorp
Classification: Likely pathogenic for UDPglucose-4-epimerase deficiency. Last evaluated: 2020-08-14. Review status: criteria provided, single submitter. Criteria: Invitae Variant Classification Sherloc (09022015). Collection method: clinical testing. Allele origin: germline.
Comment: This sequence change affects a donor splice site in intron 5 of the GALE gene. It is expected to disrupt RNA splicing and likely results in an absent or disrupted protein product. This variant is not present in population databases (ExAC no frequency). This variant has not been reported in the literature in individuals with GALE-related conditions. Algorithms developed to predict the effect of sequence changes on RNA splicing suggest that this variant may disrupt the consensus splice site, but this prediction has not been confirmed by published transcriptional studies. Donor and acceptor splice site variants typically lead to a loss of protein function (PMID: 16199547), and loss-of-function variants in GALE are known to be pathogenic (PMID: 16301867). In summary, the currently available evidence indicates that the variant is pathogenic, but additional data are needed to prove that conclusively. Therefore, this variant has been classified as Likely Pathogenic.

Literature cited by the submitters: PubMed 16199547 (cited by Labcorp Genetics (formerly Invitae), Labcorp); PubMed 16301867 (cited by Labcorp Genetics (formerly Invitae), Labcorp).